The following is an entry in ClinVar:

NM_000051.4(ATM):c.5158A>T (p.Asn1720Tyr)

Gene: ATM (ATM serine/threonine kinase; plus strand). Cytogenetic location: 11q22.3.
Variant type: single nucleotide variant.
Coding change: c.5158A>T on transcript NM_000051.4 (MANE Select); coding-DNA position 5158, A replaced by T.
Protein change: p.Asn1720Tyr; replaces asparagine 1720 with tyrosine.
Molecular consequence: missense variant.
Genome position (GRCh38, 1-based): chr11:108,299,866, A>T. VCF-style: chr11-108299866-A-T. GRCh37 (hg19) VCF-style: chr11-108170593-A-T.
Other names: c.5158A>T, p.Asn1720Tyr (NM_001351834.2); short protein forms N1720Y.
Identifiers: ClinVar variation 4866978 (VCV004866978.1).

ClinVar aggregate classification (germline): Uncertain significance (1 of 4 stars; one submission).

Conditions:
Hereditary cancer-predisposing syndrome. Also called: Neoplastic Syndromes, Hereditary; Tumor predisposition; Hereditary Cancer Syndrome; Hereditary neoplastic syndrome. Identifiers: Orphanet 140162, MedGen C0027672, MeSH D009386, MONDO:0015356.

Submission:

Ambry Genetics
Classification: Uncertain significance for Hereditary cancer-predisposing syndrome. Last evaluated: 2026-05-21. Review status: criteria provided, single submitter. Criteria: Ambry Variant Classification Scheme 2023. Collection method: clinical testing. Allele origin: germline.
Comment: The p.N1720Y variant (also known as c.5158A>T), located in coding exon 33 of the ATM gene, results from an A to T substitution at nucleotide position 5158. The asparagine at codon 1720 is replaced by tyrosine, an amino acid with dissimilar properties. This amino acid position is well conserved in available vertebrate species. In addition, the in silico prediction for this alteration is inconclusive. Based on the available evidence, the clinical significance of this variant remains unclear.